The following is an entry in ClinVar:

ClinVar aggregate classification (germline): Uncertain significance. Review status: criteria provided, multiple submitters, no conflicts (2 of 4 stars). 5 submissions from 5 submitters: Uncertain significance (5). Last evaluated 2026-08-21.

Conditions:
Epidermolysis bullosa simplex 5B, with muscular dystrophy (EBS5B). Also called: Epidermolysis bullosa simplex with muscular dystrophy; EPIDERMOLYSIS BULLOSA SIMPLEX AND LIMB-GIRDLE MUSCULAR DYSTROPHY. Identifiers: Orphanet 257, MedGen C2931072, MONDO:0009181, OMIM 226670.
Epidermolysis bullosa simplex with nail dystrophy (EBS5D). Identifiers: MedGen C4225309, MONDO:0014661, OMIM 616487.
Epidermolysis bullosa simplex 5C, with pyloric atresia (EBS5C). Also called: PLEC-Related Epidermolysis Bullosa with Pyloric Atresia; Epidermolysis bullosa simplex with pyloric atresia; PLEC1-Related Epidermolysis Bullosa with Pyloric Atresia. Identifiers: Orphanet 158684, MedGen C2677349, MONDO:0012807, OMIM 612138.
Junctional epidermolysis bullosa with pyloric atresia. Also called: Epidermolysis bullosa, junctional, with pyloric atresia and aplasia cutis congenita; Epidermolysis bullosa junctionalis with pyloric atresia; APLASIA CUTIS CONGENITA WITH GASTROINTESTINAL ATRESIA; CARMI SYNDROME; EB-PA-ACC; ITGB4-Related Epidermolysis Bullosa with Pyloric Atresia. Identifiers: Orphanet 79403, MedGen C5676875, MONDO:0009183, OMIM 226730.
Epidermolysis bullosa simplex, Ogna type (EBS5A). Also called: Pidermolysis bullosa simplex 5A, Ogna type; EPIDERMOLYSIS BULLOSA SIMPLEX 5A, OGNA TYPE. Identifiers: Orphanet 79401, MedGen C0432317, MONDO:0007555, OMIM 131950.
Autosomal recessive limb-girdle muscular dystrophy type 2Q (LGMDR17). Also called: MUSCULAR DYSTROPHY, LIMB-GIRDLE, AUTOSOMAL RECESSIVE 17. Identifiers: Orphanet 254361, MedGen C3150989, MONDO:0013390, OMIM 613723.
PLEC-related disorder. Also called: PLEC-related disorders; PLEC-related condition.
Inborn genetic diseases. Identifiers: MedGen C0950123, MeSH D030342.

Allele frequency attached by ClinVar (database versions not stated): ExAC 0.00001; gnomAD 0.00001; gnomAD exomes 0.00001; TOPMed 0.00001.
gnomAD v4.1: 36 of 1,611,258 alleles (0.0022%); highest among the groups gnomAD compares: Non-Finnish European, 0.003%; no homozygotes.

Submissions (5):

PreventionGenetics, part of Exact Sciences
Classification: Uncertain significance for PLEC-related condition. Last evaluated: 2026-08-21. Review status: criteria provided, single submitter. Criteria: ACMG Guidelines, 2015. Collection method: clinical testing. Allele origin: germline.
Comment: The PLEC c.7028T>C variant is predicted to result in the amino acid substitution p.Met2343Thr. To our knowledge, this variant has not been reported in the literature. This variant is reported in 0.0024% of alleles in individuals of European (Non-Finnish) descent in gnomAD. At this time, the clinical significance of this variant is uncertain due to the absence of conclusive functional and genetic evidence.

Ambry Genetics
Classification: Uncertain significance for Inborn genetic diseases. Last evaluated: 2025-10-28. Review status: criteria provided, single submitter. Criteria: Ambry Variant Classification Scheme 2023. Collection method: clinical testing. Allele origin: germline.

Department of Pathology and Laboratory Medicine, Sinai Health System
Classification: Uncertain significance for Epidermolysis bullosa simplex, Ogna type; Epidermolysis bullosa simplex 5B, with muscular dystrophy; Junctional epidermolysis bullosa with pyloric atresia; Epidermolysis bullosa simplex 5C, with pyloric atresia; Autosomal recessive limb-girdle muscular dystrophy type 2Q; Epidermolysis bullosa simplex with nail dystrophy. Last evaluated: 2021-09-01. Review status: criteria provided, single submitter. Criteria: ACMG Guidelines, 2015. Collection method: research. Allele origin: germline.

Revvity Omics, Revvity
Classification: Uncertain significance. Last evaluated: 2020-04-03. Review status: criteria provided, single submitter. Criteria: ACMG Guidelines, 2015. Collection method: clinical testing. Allele origin: germline.

Labcorp Genetics (formerly Invitae), Labcorp
Classification: Uncertain significance for Autosomal recessive limb-girdle muscular dystrophy type 2Q; Epidermolysis bullosa simplex, Ogna type; Epidermolysis bullosa simplex with nail dystrophy; Epidermolysis bullosa simplex 5C, with pyloric atresia; Epidermolysis bullosa simplex 5B, with muscular dystrophy. Last evaluated: 2020-01-23. Review status: criteria provided, single submitter. Criteria: Invitae Variant Classification Sherloc (09022015). Collection method: clinical testing. Allele origin: germline.
Comment: This sequence change replaces methionine with threonine at codon 2343 of the PLEC protein (p.Met2343Thr). The methionine residue is highly conserved and there is a moderate physicochemical difference between methionine and threonine. In summary, the available evidence is currently insufficient to determine the role of this variant in disease. Therefore, it has been classified as a Variant of Uncertain Significance. Algorithms developed to predict the effect of missense changes on protein structure and function do not agree on the potential impact of this missense change (SIFT: "Deleterious"; PolyPhen-2: "Possibly Damaging"; Align-GVGD: "Class C0"). This variant has not been reported in the literature in individuals with PLEC-related disease. This variant is present in population databases (rs782572408, ExAC 0.002%).

NM_201384.3(PLEC):c.6947T>C (p.Met2316Thr)

Gene: PLEC (plectin; minus strand). Cytogenetic location: 8q24.3.
Variant type: single nucleotide variant.
Coding change: c.6947T>C on transcript NM_201384.3 (MANE Select); coding-DNA position 6947, T replaced by C.
Protein change: p.Met2316Thr; replaces methionine 2316 with threonine.
Molecular consequence: missense variant.
Genome position (GRCh38, 1-based): chr8:143,922,982, A>G on the plus strand (T>C on the coding strand, the complement: PLEC is on the minus strand). VCF-style: chr8-143922982-A-G. GRCh37 (hg19) VCF-style: chr8-144997150-A-G.
Other names: c.7028T>C, p.Met2343Thr (NM_000445.5); c.6905T>C, p.Met2302Thr (NM_201378.4); c.6881T>C, p.Met2294Thr (NM_201379.3); c.7358T>C, p.Met2453Thr (NM_201380.4); c.6851T>C, p.Met2284Thr (NM_201381.3); c.6947T>C, p.Met2316Thr (NM_201382.4); c.6959T>C, p.Met2320Thr (NM_201383.3); c.7028T>C (NM_000445.4, NM_000445.3); short protein forms M2284T, M2294T, M2302T, M2316T, M2320T, M2343T, M2453T.
Identifiers: ClinVar variation 1006688 (VCV001006688.13), dbSNP rs782572408, ClinGen allele CA4925802.